The following is an entry in ClinVar:

NM_000804.4(FOLR3):c.583C>T (p.His195Tyr)

Gene: FOLR3 (folate receptor gamma; plus strand). Cytogenetic location: 11q13.4.
Variant type: single nucleotide variant.
Coding change: c.583C>T on transcript NM_000804.4 (MANE Select); coding-DNA position 583, C replaced by T.
Protein change: p.His195Tyr; replaces histidine 195 with tyrosine.
Molecular consequence: missense variant. On other transcripts: non-coding transcript variant (1).
Genome position (GRCh38, 1-based): chr11:72,139,676, C>T. VCF-style: chr11-72139676-C-T. GRCh37 (hg19) VCF-style: chr11-71850720-C-T.
Other names: c.310C>T, p.His104Tyr (NM_001318045.2); c.709C>T, p.His237Tyr (NM_001412270.1); short protein forms H104Y, H195Y, H237Y.
Identifiers: ClinVar variation 3035310 (VCV003035310.1), dbSNP rs1947793388, ClinGen allele CA381744440.

ClinVar aggregate classification (germline): Benign (1 of 4 stars; one submission).

Conditions:
FOLR3-related disorder. Also called: FOLR3-related condition.

Submission:

PreventionGenetics, part of Exact Sciences
Classification: Benign for FOLR3-related condition. Last evaluated: 2019-11-25. Review status: criteria provided, single submitter. Criteria: ACMG Guidelines, 2015. Collection method: clinical testing. Allele origin: germline.
Comment: This variant is classified as benign based on ACMG/AMP sequence variant interpretation guidelines (Richards et al. 2015 PMID: 25741868, with internal and published modifications).